The following is an entry in ClinVar:

NM_000551.4(VHL):c.305C>A (p.Pro102Gln)

Gene: VHL (von Hippel-Lindau tumor suppressor; plus strand). Cytogenetic location: 3p25.3.
Variant type: single nucleotide variant.
Coding change: c.305C>A on transcript NM_000551.4 (MANE Select); coding-DNA position 305, C replaced by A.
Protein change: p.Pro102Gln; replaces proline 102 with glutamine.
Molecular consequence: missense variant.
Genome position (GRCh38, 1-based): chr3:10,142,152, C>A. VCF-style: chr3-10142152-C-A. GRCh37 (hg19) VCF-style: chr3-10183836-C-A.
Other names: c.305C>A, p.Pro102Gln (NM_001354723.2, NM_198156.3); short protein forms P102Q.
Identifiers: ClinVar variation 1386064 (VCV001386064.6), dbSNP rs1379270197, ClinGen allele CA351751060.

ClinVar aggregate classification (germline): Uncertain significance (1 of 4 stars; one submission).

Conditions:
Chuvash polycythemia. Also called: POLYCYTHEMIA, VHL-DEPENDENT. Identifiers: Orphanet 238557, MedGen C1837915, MONDO:0009892, OMIM 263400.
Von Hippel-Lindau syndrome (VHLS). Also called: Von Hippel-Lindau; von Hippel–Lindau syndrome; VHL syndrome. Identifiers: Orphanet 892, MedGen C0019562, MONDO:0008667, OMIM 193300. Disease mechanism: loss of function.

Submission:

Labcorp Genetics (formerly Invitae), Labcorp
Classification: Uncertain significance for Von Hippel-Lindau syndrome; Chuvash polycythemia. Last evaluated: 2021-10-11. Review status: criteria provided, single submitter. Criteria: Invitae Variant Classification Sherloc (09022015). Collection method: clinical testing. Allele origin: germline.
Comment: Algorithms developed to predict the effect of sequence changes on RNA splicing suggest that this variant may create or strengthen a splice site. This sequence change replaces proline with glutamine at codon 102 of the VHL protein (p.Pro102Gln). The proline residue is moderately conserved and there is a moderate physicochemical difference between proline and glutamine. This variant is not present in population databases (ExAC no frequency). This variant has not been reported in the literature in individuals affected with VHL-related conditions. Algorithms developed to predict the effect of missense changes on protein structure and function output the following: SIFT: "Tolerated"; PolyPhen-2: "Benign"; Align-GVGD: "Class C0". The glutamine amino acid residue is found in multiple mammalian species, which suggests that this missense change does not adversely affect protein function. In summary, the available evidence is currently insufficient to determine the role of this variant in disease. Therefore, it has been classified as a Variant of Uncertain Significance.